The following is an entry in ClinVar:

NM_000051.4(ATM):c.8761A>T (p.Thr2921Ser)

Genes: C11orf65 (chromosome 11 open reading frame 65; minus strand), ATM (ATM serine/threonine kinase; plus strand). Cytogenetic location: 11q22.3.
Variant type: single nucleotide variant.
Coding change: c.8761A>T on transcript NM_000051.4 (MANE Select); coding-DNA position 8761, A replaced by T.
Protein change: p.Thr2921Ser; replaces threonine 2921 with serine.
Molecular consequence: missense variant. On other transcripts: intron variant (2).
Genome position (GRCh38, 1-based): chr11:108,353,855, A>T. VCF-style: chr11-108353855-A-T. GRCh37 (hg19) VCF-style: chr11-108224582-A-T.
Other names: c.8761A>T, p.Thr2921Ser (NM_001351834.2); c.640+32065T>A (NM_001330368.2); c.695-18563T>A (NM_001351110.2); short protein forms T2921S.
Identifiers: ClinVar variation 230885 (VCV000230885.7), dbSNP rs876658823, ClinGen allele CA10579316.

ClinVar aggregate classification (germline): Uncertain significance (1 of 4 stars; one submission).

Conditions:
Hereditary cancer-predisposing syndrome. Also called: Neoplastic Syndromes, Hereditary; Hereditary neoplastic syndrome; Tumor predisposition; Hereditary Cancer Syndrome. Identifiers: Orphanet 140162, MedGen C0027672, MeSH D009386, MONDO:0015356.

Allele frequency attached by ClinVar (database versions not stated): gnomAD exomes below 0.00001.
gnomAD v4.1: 1 of 1,613,820 alleles (0.000062%); highest among the groups gnomAD compares: Non-Finnish European, 0.000085%; no homozygotes.

Submission:

Ambry Genetics
Classification: Uncertain significance for Hereditary cancer-predisposing syndrome. Last evaluated: 2015-03-19. Review status: criteria provided, single submitter. Criteria: Ambry Variant Classification Scheme 2023. Collection method: clinical testing. Allele origin: germline.
Comment: The p.T2921S variant (also known as c.8761A>T), located in coding exon 59 of the ATM gene, results from an A to T substitution at nucleotide position 8761. The threonine at codon 2921 is replaced by serine, an amino acid with similar properties. This variant was not reported in population based cohorts in the following databases: Database of Single Nucleotide Polymorphisms (dbSNP), NHLBI Exome Sequencing Project (ESP), and 1000 Genomes Project. In the ESP, this variant was not observed in 6499 samples (12998 alleles) with coverage at this position. To date, this alteration has been detected with an allele frequency of approximately 0.002% (greater than 41000 alleles tested) in our clinical cohort. This amino acid position is highly conserved in available vertebrate species. In addition, this alteration is predicted to be possibly damaging and deleterious by PolyPhen and SIFT in silico analyses, respectively. Since supporting evidence is limited at this time, the clinical significance of p.T2921S remains unclear.